The following is an entry in ClinVar:

NM_000368.5(TSC1):c.81T>A (p.Ala27=)

Gene: TSC1 (TSC complex subunit 1; minus strand). Cytogenetic location: 9q34.13.
Variant type: single nucleotide variant.
Coding change: c.81T>A on transcript NM_000368.5 (MANE Select); coding-DNA position 81, T replaced by A.
Protein change: p.Ala27=; no amino-acid change (alanine 27 retained).
Molecular consequence: synonymous variant. On other transcripts: 5 prime UTR variant (16), non-coding transcript variant (5), intron variant (2).
Genome position (GRCh38, 1-based): chr9:132,928,792, A>T on the plus strand (T>A on the coding strand, the complement: TSC1 is on the minus strand). VCF-style: chr9-132928792-A-T. GRCh37 (hg19) VCF-style: chr9-135804179-A-T.
Other names: c.81T>A, p.Ala27= (NM_001162426.2, NM_001162427.2, NM_001406592.1 and 21 more transcripts); c.-179T>A (NM_001362177.2, NM_001406617.1, NM_001406619.1 and 3 more transcripts); c.-271T>A (NM_001406614.1); c.-408T>A (NM_001406615.1, NM_001406623.1); c.-375T>A (NM_001406616.1, NM_001406624.1); c.-797T>A (NM_001406626.1, NM_001406627.1, NM_001406628.1); c.-939T>A (NM_001406629.1); c.-1013T>A (NM_001406630.1); and 1 more.
Identifiers: ClinVar variation 1762431 (VCV001762431.3), dbSNP rs1588363327, ClinGen allele CA467594324.

ClinVar aggregate classification (germline): Likely benign. Review status: criteria provided, multiple submitters, no conflicts (2 of 4 stars). 2 submissions from 2 submitters: Likely benign (2). Last evaluated 2024-05-14.

Conditions:
Hereditary cancer-predisposing syndrome. Also called: Neoplastic Syndromes, Hereditary; Tumor predisposition; Hereditary neoplastic syndrome; Hereditary Cancer Syndrome. Identifiers: Orphanet 140162, MedGen C0027672, MeSH D009386, MONDO:0015356.
Tuberous sclerosis syndrome (TSC). Also called: Tuberous Sclerosis Complex; Tuberous sclerosis. Identifiers: Orphanet 805, MedGen C0041341, MONDO:0001734.

Allele frequency attached by ClinVar (database versions not stated): gnomAD exomes below 0.00001.
gnomAD v4.1: 1 of 1,614,216 alleles (0.000062%); highest among the groups gnomAD compares: Non-Finnish European, 0.000085%; no homozygotes.

Submissions (2):

All of Us Research Program, National Institutes of Health
Classification: Likely benign for Tuberous sclerosis syndrome. Last evaluated: 2024-05-14. Review status: criteria provided, single submitter. Criteria: ACMG Guidelines, 2015. Collection method: clinical testing. Allele origin: germline. Inheritance: Autosomal dominant inheritance. Observed: 1 variant allele, 1 heterozygote.
Comment: This study involves interpretation of variants in research participants for the purpose of population health screening. Participant phenotype was not available at the time of variant classification. Additional details can be found in publication PMID: 35346344, PMCID: PMC8962531

Ambry Genetics
Classification: Likely benign for Hereditary cancer-predisposing syndrome. Last evaluated: 2021-09-04. Review status: criteria provided, single submitter. Criteria: Ambry Variant Classification Scheme 2023. Collection method: clinical testing. Allele origin: germline.